The following is an entry in ClinVar:

NM_003721.4(RFXANK):c.226C>T (p.Arg76Trp)

Gene: RFXANK (regulatory factor X associated ankyrin containing protein; plus strand). Cytogenetic location: 19p13.11.
Variant type: single nucleotide variant.
Coding change: c.226C>T on transcript NM_003721.4 (MANE Select); coding-DNA position 226, C replaced by T.
Protein change: p.Arg76Trp; replaces arginine 76 with tryptophan.
Molecular consequence: missense variant.
Genome position (GRCh38, 1-based): chr19:19,197,001, C>T. VCF-style: chr19-19197001-C-T. GRCh37 (hg19) VCF-style: chr19-19307810-C-T.
Other names: c.226C>T, p.Arg76Trp (NM_001278727.2, NM_001370233.1, NM_001370234.1 and 1 more transcripts); c.223C>T, p.Arg75Trp (NM_001278728.2, NM_001370235.1, NM_001370236.1 and 2 more transcripts); short protein forms R76W, R75W.
Identifiers: ClinVar variation 642483 (VCV000642483.6), dbSNP rs368808881, ClinGen allele CA9322640.

ClinVar aggregate classification (germline): Uncertain significance (1 of 4 stars; one submission).

Conditions:
MHC class II deficiency. Also called: Bare lymphocyte syndrome 2; BLS, TYPE II. Identifiers: Orphanet 572, MedGen C5447452, MONDO:0008855.

Allele frequency attached by ClinVar (database versions not stated): ExAC 0.00001; gnomAD 0.00001; gnomAD exomes 0.00001; TOPMed 0.00001; ESP Exome Variant Server 0.00008.

Submission:

Labcorp Genetics (formerly Invitae), Labcorp
Classification: Uncertain significance for MHC class II deficiency. Last evaluated: 2022-07-12. Review status: criteria provided, single submitter. Criteria: Invitae Variant Classification Sherloc (09022015). Collection method: clinical testing. Allele origin: germline.
Comment: This sequence change replaces arginine, which is basic and polar, with tryptophan, which is neutral and slightly polar, at codon 76 of the RFXANK protein (p.Arg76Trp). This variant is present in population databases (rs368808881, gnomAD 0.006%). This variant has not been reported in the literature in individuals affected with RFXANK-related conditions. ClinVar contains an entry for this variant (Variation ID: 642483). Algorithms developed to predict the effect of missense changes on protein structure and function are either unavailable or do not agree on the potential impact of this missense change (SIFT: "Deleterious"; PolyPhen-2: "Probably Damaging"; Align-GVGD: "Class C0"). In summary, the available evidence is currently insufficient to determine the role of this variant in disease. Therefore, it has been classified as a Variant of Uncertain Significance.